The following is an entry in ClinVar:

NM_000355.4(TCN2):c.292_295dup (p.Lys99fs)

Gene: TCN2 (transcobalamin 2; plus strand). Cytogenetic location: 22q12.2.
Variant type: Duplication.
Coding change: c.292_295dup on transcript NM_000355.4 (MANE Select); coding-DNA positions 292 to 295, 4 bases duplicated (GGCA; older notation c.292_295dupGGCA).
Protein change: p.Lys99fs; shifts the reading frame from lysine 99.
Molecular consequence: frameshift variant.
Genome position (GRCh38, 1-based): chr22:30,612,907-30,612,910, GGCA duplicated. VCF-style (leftmost placement, unchanged base first): chr22-30612906-G-GGGCA. GRCh37 (hg19) VCF-style: chr22-31008893-G-GGGCA.
Other names: c.292_295dup, p.Lys99fs (NM_001184726.2); short protein forms K99fs.
Identifiers: ClinVar variation 4723621 (VCV004723621.1).
Genomic context (GRCh38, chr22:30,612,906, plus strand): 5'-CAAAGGCATTAACTGGCCTTGTCCTAGGTCTGCCTTCAGCGAGGATGACGGTGACTGCCA[G>GGGCA]GGCAAGCCTTCCATGGGCCAGCTGGCCCTCTACCTGCTCGCTCTCAGAGCCAACTGTGAG-3'

ClinVar aggregate classification (germline): Pathogenic (1 of 4 stars; one submission).

Conditions:
Transcobalamin II deficiency (TCN2D). Also called: Transcolabamin II deficiency; TC II DEFICIENCY; TCN2 DEFICIENCY. Identifiers: Orphanet 859, MedGen C0342701, MONDO:0010149, OMIM 275350.

Submission:

Labcorp Genetics (formerly Invitae), Labcorp
Classification: Pathogenic for Transcobalamin II deficiency. Last evaluated: 2025-07-25. Review status: criteria provided, single submitter. Criteria: Invitae Variant Classification Sherloc (09022015). Collection method: clinical testing. Allele origin: germline.
Comment: This sequence change creates a premature translational stop signal (p.Lys99Argfs*20) in the TCN2 gene. It is expected to result in an absent or disrupted protein product. Loss-of-function variants in TCN2 are known to be pathogenic (PMID: 7980584, 20352340). This variant is not present in population databases (gnomAD no frequency). This variant has not been reported in the literature in individuals affected with TCN2-related conditions. For these reasons, this variant has been classified as Pathogenic.

Literature cited by the submitters: PubMed 7980584; PubMed 20352340.